The following is an entry in ClinVar:

ClinVar aggregate classification (germline): Pathogenic. Review status: reviewed by expert panel (3 of 4 stars). 4 submissions from 4 submitters: Pathogenic (1). 3 of the submissions do not count toward it. Last evaluated 2016-10-18.

Conditions:
Hereditary cancer-predisposing syndrome. Also called: Hereditary neoplastic syndrome; Neoplastic Syndromes, Hereditary; Tumor predisposition; Hereditary Cancer Syndrome. Identifiers: Orphanet 140162, MedGen C0027672, MeSH D009386, MONDO:0015356.
Breast-ovarian cancer, familial, susceptibility to, 2 (BROVCA2). Also called: BRCA2 Hereditary Breast and Ovarian Cancer. Identifiers: Orphanet 145, MedGen C2675520, MONDO:0012933, OMIM 612555. Disease mechanism: loss of function.
Hereditary breast ovarian cancer syndrome. Also called: BRCA1- and BRCA2-Associated Hereditary Breast and Ovarian Cancer; Hereditary breast and ovarian cancer; Breast and ovarian cancer; Hereditary breast and/or ovarian cancer syndrome; Hereditary breast and ovarian cancer syndrome; Hereditary breast and ovarian cancer syndrome (HBOC). Identifiers: Orphanet 145, MedGen C0677776, MeSH D061325, MONDO:0003582. Disease mechanism: loss of function.

Submissions (4):

Evidence-based Network for the Interpretation of Germline Mutant Alleles (ENIGMA)
Classification: Pathogenic for Breast-ovarian cancer, familial, susceptibility to, 2. Last evaluated: 2016-10-18. Review status: reviewed by expert panel. Criteria: ENIGMA BRCA1/2 Classification Criteria (2015). Collection method: curation. Allele origin: germline.
Comment: Variant allele predicted to encode a truncated non-functional protein.

Labcorp Genetics (formerly Invitae), Labcorp
Classification: Pathogenic for Hereditary breast ovarian cancer syndrome. Last evaluated: 2021-10-17. Review status: criteria provided, single submitter. Criteria: Invitae Variant Classification Sherloc (09022015). Collection method: clinical testing. Allele origin: germline. Not counted in ClinVar's aggregate classification.
Comment: This sequence change creates a premature translational stop signal (p.Val323Glufs*25) in the BRCA2 gene. It is expected to result in an absent or disrupted protein product. Loss-of-function variants in BRCA2 are known to be pathogenic (PMID: 20104584). For these reasons, this variant has been classified as Pathogenic. ClinVar contains an entry for this variant (Variation ID: 267168). This variant is also known as c.965_968del. This premature translational stop signal has been observed in individual(s) with breast and/or ovarian cancer (PMID: 25556971). This variant is not present in population databases (ExAC no frequency).

Color Diagnostics, LLC DBA Color Health
Classification: Pathogenic for Hereditary cancer-predisposing syndrome. Last evaluated: 2021-01-02. Review status: criteria provided, single submitter. Criteria: ACMG Guidelines, 2015. Collection method: clinical testing. Allele origin: germline. Not counted in ClinVar's aggregate classification.
Comment: This variant deletes 4 nucleotides in exon 10 of the BRCA2 gene, creating a frameshift and premature translation stop signal. This variant is expected to result in an absent or non-functional protein product. To our knowledge, functional studies have not been reported for this variant. This variant has been reported in individuals affected with breast or ovarian cancer (PMID: 27062684). This variant has not been identified in the general population by the Genome Aggregation Database (gnomAD). Loss of BRCA2 function is a known mechanism of disease. Based on the available evidence, this variant is classified as Pathogenic.

Consortium of Investigators of Modifiers of BRCA1/2 (CIMBA), c/o University of Cambridge
Classification: Pathogenic for Breast-ovarian cancer, familial, susceptibility to, 2. Last evaluated: 2015-10-02. Review status: criteria provided, single submitter. Criteria: CIMBA Mutation Classification guidelines May 2016. Collection method: clinical testing. Allele origin: germline. Not counted in ClinVar's aggregate classification.

Literature cited by the submitters: PubMed 20104584 (cited by Labcorp Genetics (formerly Invitae), Labcorp); PubMed 25556971 (cited by Labcorp Genetics (formerly Invitae), Labcorp).

NM_000059.4(BRCA2):c.968_971del (p.Val323fs)

Gene: BRCA2 (BRCA2 DNA repair associated; plus strand). Cytogenetic location: 13q13.1.
Variant type: Deletion.
Coding change: c.968_971del on transcript NM_000059.4 (MANE Select); coding-DNA positions 968 to 971, 4 bases deleted (TAAG; older notation c.968_971delTAAG).
Protein change: p.Val323fs; shifts the reading frame from valine 323.
Molecular consequence: frameshift variant.
Genome position (GRCh38, 1-based): chr13:32,332,446-32,332,449, TAAG deleted; deleting any 4 consecutive bases within chr13:32,332,443-32,332,449 gives the same sequence; the c. name uses the placement nearest the transcript's 3' end. VCF-style (leftmost placement, unchanged base first): chr13-32332442-AAAGT-A. GRCh37 (hg19) VCF-style: chr13-32906579-AAAGT-A.
Other names: 1196delTAAG; short protein forms V323fs.
Identifiers: ClinVar variation 267168 (VCV000267168.13), dbSNP rs886040847, ClinGen allele CA10589063.
Genomic context (GRCh38, chr13:32,332,442, plus strand): 5'-ACCTCTGAAGAAGATAGTTTTTCATTATGTTTTTCTAAATGTAGAACAAAAAATCTACAA[AAAGT>A]AAGAACTAGCAAGACTAGGAAAAAAATTTTCCATGAAGCAAACGCTGATGAATGTGAAAA-3'